The following is an entry in ClinVar:

NM_022132.5(MCCC2):c.87del (p.Ser30fs)

Gene: MCCC2 (methylcrotonyl-CoA carboxylase subunit 2; plus strand). Cytogenetic location: 5q13.2.
Variant type: Deletion.
Coding change: c.87del on transcript NM_022132.5 (MANE Select); coding-DNA position 87, one base deleted (C; older notation c.87delC).
Protein change: p.Ser30fs; shifts the reading frame from serine 30.
Molecular consequence: frameshift variant.
Genome position (GRCh38, 1-based): chr5:71,587,512, C deleted; the last of 2 consecutive C bases (chr5:71,587,511-71,587,512); deleting either gives the same sequence. VCF-style (leftmost placement, unchanged base first): chr5-71587510-GC-G. GRCh37 (hg19) VCF-style: chr5-70883337-GC-G.
Other names: c.87del, p.Ser30fs (NM_001363147.1); short protein forms S30fs.
Identifiers: ClinVar variation 5014272 (VCV005014272.1).

ClinVar aggregate classification (germline): Pathogenic (1 of 4 stars; one submission).

Conditions:
3-methylcrotonyl-CoA carboxylase 2 deficiency. Also called: METHYLCROTONYLGLYCINURIA, TYPE II; 3 alpha methylcrotonyl-CoA carboxylase 2 deficiency; 3 alpha methylcrotonylglycinuria 2; MCC 2 deficiency; Methylcrotonylglycinuria type 2. Identifiers: Orphanet 6, MedGen C1859499, MONDO:0008862, OMIM 210210.

Submission:

Myriad Genetics, Inc.
Classification: Pathogenic for 3-methylcrotonyl-CoA carboxylase 2 deficiency. Last evaluated: 2025-03-27. Review status: criteria provided, single submitter. Criteria: Myriad Autosomal Dominant, Autosomal Recessive and X-Linked Classification Criteria (2023). Collection method: clinical testing. Allele origin: unknown.
Comment: NM_022132.4(MCCC2):c.87delC(S30Rfs*20) is expected to be pathogenic in the context of 3-methylcrotonyl-CoA carboxylase deficiency, MCCC2-related. This variant is predicted to lead to an abnormal or absent protein product due to the creation of a premature termination codon in MCCC2, a gene where loss-of-function variants are known to be pathogenic. Please note: this variant was assessed in the context of healthy population screening.